The following is an entry in ClinVar:

ClinVar aggregate classification (germline): Benign/Likely benign. Review status: criteria provided, multiple submitters, no conflicts (2 of 4 stars). 3 submissions from 3 submitters: Benign (1); Likely benign (2). Last evaluated 2025-09-15.

Conditions:
Hereditary cancer-predisposing syndrome. Also called: Tumor predisposition; Neoplastic Syndromes, Hereditary; Hereditary Cancer Syndrome; Hereditary neoplastic syndrome. Identifiers: Orphanet 140162, MedGen C0027672, MeSH D009386, MONDO:0015356.
Multiple endocrine neoplasia, type 1 (MEN1). Also called: MEN I; WERMER SYNDROME; Endocrine adenomatosis multiple; MEN 1; MEA I. Identifiers: Orphanet 652, MedGen C0025267, MeSH D018761, MONDO:0007540, OMIM 131100.

Allele frequency attached by ClinVar (database versions not stated): gnomAD exomes below 0.00001.
gnomAD v4.1: 1 of 1,596,260 alleles (0.000063%); highest among the groups gnomAD compares: Non-Finnish European, 0.000085%; no homozygotes.

Submissions (3):

Labcorp Genetics (formerly Invitae), Labcorp
Classification: Likely benign for Multiple endocrine neoplasia, type 1. Last evaluated: 2025-09-15. Review status: criteria provided, single submitter. Criteria: Invitae Variant Classification Sherloc (09022015). Collection method: clinical testing. Allele origin: germline.

Myriad Genetics, Inc.
Classification: Benign for Multiple endocrine neoplasia, type 1. Last evaluated: 2024-11-05. Review status: criteria provided, single submitter. Criteria: Myriad Autosomal Dominant, Autosomal Recessive and X-Linked Classification Criteria (2023). Collection method: clinical testing. Allele origin: unknown.
Comment: This variant is considered benign. This variant is a silent/synonymous amino acid change and it is not expected to impact splicing.

Ambry Genetics
Classification: Likely benign for Hereditary cancer-predisposing syndrome. Last evaluated: 2020-08-26. Review status: criteria provided, single submitter. Criteria: Ambry Variant Classification Scheme 2023. Collection method: clinical testing. Allele origin: germline.

NM_001370259.2(MEN1):c.1455G>A (p.Arg485=)

Gene: MEN1 (menin 1; minus strand). Cytogenetic location: 11q13.1.
Variant type: single nucleotide variant.
Coding change: c.1455G>A on transcript NM_001370259.2 (MANE Select); coding-DNA position 1455, G replaced by A.
Protein change: p.Arg485=; no amino-acid change (arginine 485 retained).
Molecular consequence: synonymous variant. On other transcripts: non-coding transcript variant (4).
Genome position (GRCh38, 1-based): chr11:64,804,712, C>T on the plus strand (G>A on the coding strand, the complement: MEN1 is on the minus strand). VCF-style: chr11-64804712-C-T. GRCh37 (hg19) VCF-style: chr11-64572184-C-T.
Other names: c.1470G>A, p.Arg490= (NM_000244.4, NM_001407145.1, NM_130800.3 and 4 more transcripts); c.1581G>A, p.Arg527= (NM_001370251.2, NM_001407142.1, NM_001407143.1 and 1 more transcripts); c.1455G>A, p.Arg485= (NM_001370260.2, NM_001370261.2, NM_001407146.1 and 2 more transcripts); c.1350G>A, p.Arg450= (NM_001370262.2, NM_001370263.2, NM_001407148.1 and 1 more transcripts); c.1596G>A, p.Arg532= (NM_001407150.1); c.1476G>A, p.Arg492= (NM_001407151.1); c.1290G>A, p.Arg430= (NM_001407152.1).
Identifiers: ClinVar variation 1773039 (VCV001773039.5), dbSNP rs2136089265, ClinGen allele CA475163278.